The following is an entry in ClinVar:

ClinVar aggregate classification (germline): Likely benign. Review status: criteria provided, multiple submitters, no conflicts (2 of 4 stars). 3 submissions from 3 submitters: Likely benign (3). Last evaluated 2026-04-14.

Conditions:
3-Methylglutaconic aciduria type 2 (BTHS). Also called: CARDIOSKELETAL MYOPATHY WITH NEUTROPENIA AND ABNORMAL MITOCHONDRIA; Barth syndrome. Identifiers: Orphanet 111, MedGen C0574083, MONDO:0010543, OMIM 302060.

Submissions (3):

Women's Health and Genetics/Laboratory Corporation of America, LabCorp
Classification: Likely benign. Last evaluated: 2026-04-14. Review status: criteria provided, single submitter. Criteria: LabCorp Variant Classification Summary - May 2015. Collection method: clinical testing. Allele origin: germline.

Labcorp Genetics (formerly Invitae), Labcorp
Classification: Likely benign for 3-Methylglutaconic aciduria type 2. Last evaluated: 2023-04-16. Review status: criteria provided, single submitter. Criteria: Invitae Variant Classification Sherloc (09022015). Collection method: clinical testing. Allele origin: germline.

GeneDx
Classification: Likely benign. Last evaluated: 2018-02-16. Review status: criteria provided, single submitter. Criteria: GeneDx Variant Classification (06012015). Collection method: clinical testing. Allele origin: germline. Affected: yes.
Comment: This variant is considered likely benign or benign based on one or more of the following criteria: it is a conservative change, it occurs at a poorly conserved position in the protein, it is predicted to be benign by multiple in silico algorithms, and/or has population frequency not consistent with disease.

NM_000116.5(TAFAZZIN):c.216C>T (p.Cys72=)

Gene: TAFAZZIN (tafazzin, phospholipid-lysophospholipid transacylase; plus strand). Cytogenetic location: Xq28.
Variant type: single nucleotide variant.
Coding change: c.216C>T on transcript NM_000116.5 (MANE Select); coding-DNA position 216, C replaced by T.
Protein change: p.Cys72=; no amino-acid change (cysteine 72 retained).
Molecular consequence: synonymous variant. On other transcripts: non-coding transcript variant (1).
Genome position (GRCh38, 1-based): chrX:154,412,192, C>T. VCF-style: chrX-154412192-C-T. GRCh37 (hg19) VCF-style: chrX-153640529-C-T.
Other names: c.270C>T, p.Cys90= (NM_001303465.2); c.216C>T, p.Cys72= (NM_181311.4, NM_181312.4, NM_181313.4).
Identifiers: ClinVar variation 515227 (VCV000515227.9), dbSNP rs1557191148, ClinGen allele CA519277452.